The following is an entry in ClinVar:

NM_030922.7(NIPA2):c.502G>A (p.Val168Met)

Gene: NIPA2 (NIPA magnesium transporter 2; plus strand). Cytogenetic location: 15q11.2.
Variant type: single nucleotide variant.
Coding change: c.502G>A on transcript NM_030922.7 (MANE Select); coding-DNA position 502, G replaced by A.
Protein change: p.Val168Met; replaces valine 168 with methionine.
Molecular consequence: missense variant.
Genome position (GRCh38, 1-based): chr15:22,866,266, G>A. VCF-style: chr15-22866266-G-A. GRCh37 (hg19) VCF-style: chr15-23006802-C-T.
Other names: c.502G>A, p.Val168Met (NM_001008860.3, NM_001008892.3, NM_001184889.2); c.445G>A, p.Val149Met (NM_001008894.3, NM_001184888.2); short protein forms V149M, V168M.
Identifiers: ClinVar variation 3040205 (VCV003040205.2), dbSNP rs546940021, ClinGen allele CA7425793.

ClinVar aggregate classification (germline): Likely benign (0 of 4 stars; one submission).

Conditions:
NIPA2-related disorder. Also called: NIPA2-related condition.

Allele frequency attached by ClinVar (database versions not stated): TOPMed 0.00003; gnomAD 0.00012; 1000 Genomes Project 30x 0.00047; 1000 Genomes Project 0.00060; ExAC 0.00084.
gnomAD v4.1: 516 of 1,613,730 alleles (0.032%); highest among the groups gnomAD compares: South Asian, 0.52%; 8 homozygotes.

Submission:

PreventionGenetics, part of Exact Sciences
Classification: Likely benign for NIPA2-related condition. Last evaluated: 2019-10-28. Review status: no assertion criteria provided. Collection method: clinical testing. Allele origin: germline.
Comment: This variant is classified as likely benign based on ACMG/AMP sequence variant interpretation guidelines (Richards et al. 2015 PMID: 25741868, with internal and published modifications).